The following is an entry in ClinVar:

NM_148919.4(PSMB8):c.481C>T (p.Gln161Ter)

Gene: PSMB8 (proteasome 20S subunit beta 8; minus strand). Cytogenetic location: 6p21.32.
Variant type: single nucleotide variant.
Coding change: c.481C>T on transcript NM_148919.4 (MANE Select); coding-DNA position 481, C replaced by T.
Protein change: p.Gln161Ter; replaces glutamine 161 with a stop codon.
Molecular consequence: nonsense.
Genome position (GRCh38, 1-based): chr6:32,842,190, G>A on the plus strand (C>T on the coding strand, the complement: PSMB8 is on the minus strand). VCF-style: chr6-32842190-G-A. GRCh37 (hg19) VCF-style: chr6-32809967-G-A.
Other names: c.469C>T, p.Gln157Ter (NM_004159.5); short protein forms Q157*, Q161*.
Identifiers: ClinVar variation 1385379 (VCV001385379.10), dbSNP rs2127377117, ClinGen allele CA363588891.

ClinVar aggregate classification (germline): Pathogenic/Likely pathogenic. Review status: criteria provided, multiple submitters, no conflicts (2 of 4 stars). 3 submissions from 3 submitters: Pathogenic (1); Likely pathogenic (2). Last evaluated 2021-01-17.

Conditions:
Proteosome-associated autoinflammatory syndrome. Also called: Proteasome-associated autoinflammatory syndrome. Identifiers: Orphanet 324977, MedGen C1850568, MONDO:0009726.
PSMB8-related disorder. Also called: PSMB8-related condition.
Autoinflammatory syndrome. Identifiers: Orphanet 93665, MedGen C3890737, MONDO:0019751.

Allele frequency attached by ClinVar (database versions not stated): gnomAD exomes below 0.00001.
gnomAD v4.1: 1 of 1,613,144 alleles (0.000062%); highest among the groups gnomAD compares: Non-Finnish European, 0.000085%; no homozygotes.

Submissions (3):

Labcorp Genetics (formerly Invitae), Labcorp
Classification: Pathogenic for Proteosome-associated autoinflammatory syndrome. Last evaluated: 2021-01-17. Review status: criteria provided, single submitter. Criteria: Invitae Variant Classification Sherloc (09022015). Collection method: clinical testing. Allele origin: germline.
Comment: For these reasons, this variant has been classified as Pathogenic. This variant has not been reported in the literature in individuals with PSMB8-related conditions. This variant is not present in population databases (ExAC no frequency). This sequence change creates a premature translational stop signal (p.Gln161*) in the PSMB8 gene. It is expected to result in an absent or disrupted protein product. Loss-of-function variants in PSMB8 are known to be pathogenic (PMID: 26524591).

Genome Diagnostics Laboratory, The Hospital for Sick Children
Classification: Likely pathogenic for Autoinflammatory syndrome. Last evaluated: 2020-04-01. Review status: criteria provided, single submitter. Criteria: ACMG Guidelines, 2015. Collection method: clinical testing. Allele origin: germline. Affected: yes.

Blueprint Genetics
Classification: Likely pathogenic for PSMB8-related disorders. Last evaluated: 2018-08-06. Review status: criteria provided, single submitter. Criteria: ACMG Guidelines, 2015. Collection method: clinical testing. Allele origin: germline. Affected: yes. Observed: 1 variant allele.

Literature cited by the submitters: PubMed 26524591 (cited by Labcorp Genetics (formerly Invitae), Labcorp).